The following is an entry in ClinVar:

ClinVar aggregate classification (germline): Uncertain significance (1 of 4 stars; one submission).

Submission:

CeGaT Center for Human Genetics Tuebingen
Classification: Uncertain significance. Last evaluated: 2025-11-01. Review status: criteria provided, single submitter. Criteria: CeGaT Center For Human Genetics Tuebingen Variant Classification Criteria Version 2. Collection method: clinical testing. Allele origin: germline. Affected: yes. Observed: 1 variant allele.
Comment: CHD5: PM2

NM_015557.3(CHD5):c.153G>T (p.Lys51Asn)

Gene: CHD5 (chromodomain helicase DNA binding protein 5; minus strand). Cytogenetic location: 1p36.31.
Variant type: single nucleotide variant.
Coding change: c.153G>T on transcript NM_015557.3 (MANE Select); coding-DNA position 153, G replaced by T.
Protein change: p.Lys51Asn; replaces lysine 51 with asparagine.
Molecular consequence: missense variant.
Genome position (GRCh38, 1-based): chr1:6,168,204, C>A on the plus strand (G>T on the coding strand, the complement: CHD5 is on the minus strand). VCF-style: chr1-6168204-C-A. GRCh37 (hg19) VCF-style: chr1-6228264-C-A.
Other names: short protein forms K51N.
Identifiers: ClinVar variation 4535390 (VCV004535390.6).
Genomic context (GRCh38, chr1:6,168,204, plus strand): 5'-CCTCACCTCTTTCTTCTTCCGCTTCCCTTTACACTTGTTTTCCTTGAGCTTCTTGGGTTT[C>A]TTCTTCTTAGGAAGGCTCACGGGCTCCACAGGGAAAAAGTCATCGAAGGCTTCAAGACCA-3'
Protein context (NP_056372.1, residues 41-61): PVEPVSLPKK[Lys51Asn]KPKKLKENKC